The following is an entry in ClinVar:

NM_001164508.2(NEB):c.18568G>A (p.Val6190Met)

Gene: NEB (nebulin; minus strand). Cytogenetic location: 2q23.3.
Variant type: single nucleotide variant.
Coding change: c.18568G>A on transcript NM_001164508.2 (MANE Select); coding-DNA position 18568, G replaced by A.
Protein change: p.Val6190Met; replaces valine 6190 with methionine.
Molecular consequence: missense variant.
Genome position (GRCh38, 1-based): chr2:151,563,834, C>T on the plus strand (G>A on the coding strand, the complement: NEB is on the minus strand). VCF-style: chr2-151563834-C-T. GRCh37 (hg19) VCF-style: chr2-152420348-C-T.
Other names: c.18568G>A, p.Val6190Met (NM_001164507.2, NM_001271208.2); c.13465G>A, p.Val4489Met (NM_004543.5); short protein forms V6190M, V4489M.
Identifiers: ClinVar variation 1426606 (VCV001426606.5), dbSNP rs770824743, ClinGen allele CA1907929.

ClinVar aggregate classification (germline): Uncertain significance (1 of 4 stars; one submission).

Conditions:
Nemaline myopathy 2 (NEM2). Also called: Nemaline myopathy 2, autosomal recessive. Identifiers: MedGen C1850569, MONDO:0009725, OMIM 256030.

Allele frequency attached by ClinVar (database versions not stated): gnomAD exomes below 0.00001; ExAC 0.00001; gnomAD 0.00001; TOPMed 0.00001.
gnomAD v4.1: 5 of 1,613,316 alleles (0.00031%); highest among the groups gnomAD compares: Admixed American, 0.0017%; no homozygotes.

Submission:

Labcorp Genetics (formerly Invitae), Labcorp
Classification: Uncertain significance for Nemaline myopathy 2. Last evaluated: 2023-05-23. Review status: criteria provided, single submitter. Criteria: Invitae Variant Classification Sherloc (09022015). Collection method: clinical testing. Allele origin: germline.
Comment: In summary, the available evidence is currently insufficient to determine the role of this variant in disease. Therefore, it has been classified as a Variant of Uncertain Significance. Experimental studies and prediction algorithms are not available or were not evaluated, and the functional significance of this variant is currently unknown. ClinVar contains an entry for this variant (Variation ID: 1426606). This variant has not been reported in the literature in individuals affected with NEB-related conditions. This variant is present in population databases (rs770824743, gnomAD 0.003%). This sequence change replaces valine, which is neutral and non-polar, with methionine, which is neutral and non-polar, at codon 6190 of the NEB protein (p.Val6190Met).